The following is an entry in ClinVar:

ClinVar aggregate classification (germline): Benign/Likely benign. Review status: criteria provided, multiple submitters, no conflicts (2 of 4 stars). 2 submissions from 2 submitters: Benign (1); Likely benign (1). Last evaluated 2025-11-20.

Conditions:
ADGRV1-related disorder. Also called: ADGRV1-related disorders; ADGRV1-related condition.

Allele frequency attached by ClinVar (database versions not stated): gnomAD exomes 0.00001 and 0.00002; ExAC 0.00003; gnomAD 0.00004; TOPMed 0.00005.
gnomAD v4.1: 13 of 1,611,618 alleles (0.00081%); highest among the groups gnomAD compares: African/African-American, 0.013%; no homozygotes.

Submissions (2):

PreventionGenetics, part of Exact Sciences
Classification: Likely benign for ADGRV1-related condition. Last evaluated: 2025-11-20. Review status: criteria provided, single submitter. Criteria: ACMG Guidelines, 2015. Collection method: clinical testing. Allele origin: germline.
Comment: This variant is classified as likely benign based on ACMG/AMP sequence variant interpretation guidelines (Richards et al. 2015 PMID: 25741868, with internal and published modifications).

Labcorp Genetics (formerly Invitae), Labcorp
Classification: Benign. Last evaluated: 2025-10-09. Review status: criteria provided, single submitter. Criteria: Invitae Variant Classification Sherloc (09022015). Collection method: clinical testing. Allele origin: germline.

NM_032119.4(ADGRV1):c.3033A>G (p.Val1011=)

Gene: ADGRV1 (adhesion G protein-coupled receptor V1; plus strand). Cytogenetic location: 5q14.3.
Variant type: single nucleotide variant.
Coding change: c.3033A>G on transcript NM_032119.4 (MANE Select); coding-DNA position 3033, A replaced by G.
Protein change: p.Val1011=; no amino-acid change (valine 1011 retained).
Molecular consequence: synonymous variant. On other transcripts: non-coding transcript variant (1).
Genome position (GRCh38, 1-based): chr5:90,647,508, A>G. VCF-style: chr5-90647508-A-G. GRCh37 (hg19) VCF-style: chr5-89943325-A-G.
Other names: c.3033A>G (NM_032119.3).
Identifiers: ClinVar variation 1383437 (VCV001383437.7), dbSNP rs771870456, ClinGen allele CA3339095.
Genomic context (GRCh38, chr5:90,647,508, plus strand): 5'-TGTGATGGAATCAGAAAAGCTCATGTGTTCTTTCTTTGTGGATATTTCAGAACCTCGTGT[A>G]GTGAGGGTTCAGGAAGGTGAGACTGCCAACTTTACAGTTCTCAGAAATGGATCTGTTGAT-3'
Protein context (NP_115495.3, residues 1001-1021): DDPIYFAEPR[Val1011=]VRVQEGETAN